The following is an entry in ClinVar:

ClinVar aggregate classification (germline): Uncertain significance (1 of 4 stars; one submission).

Conditions:
Metachromatic leukodystrophy (MLD). Also called: Arylsulfatase A Deficiency; SULFATIDE LIPIDOSIS; ARSA DEFICIENCY; CEREBROSIDE SULFATASE DEFICIENCY; METACHROMATIC LEUKOENCEPHALOPATHY; Cerebral sclerosis diffuse metachromatic form. Identifiers: Orphanet 512, MedGen C0023522, MONDO:0018868, OMIM 250100.

Submission:

3billion
Classification: Uncertain significance for Metachromatic leukodystrophy. Last evaluated: 2023-02-23. Review status: criteria provided, single submitter. Criteria: ACMG Guidelines, 2015. Collection method: clinical testing. Allele origin: unknown. Affected: yes.
Comment: The variant is not observed in the gnomAD v2.1.1 dataset. In silico tool predictions suggest damaging effect of the variant on gene or gene product (REVEL: 0.84; 3Cnet: 0.91). Same nucleotide change resulting in same amino acid change has been previously reported to be associated with ARSA related disorder (PMID: 25482214). However, the evidence of pathogenicity is insufficient at this time. Therefore, this variant is classified as VUS according to the recommendation of ACMG/AMP guideline.

Literature cited by the submitters: PubMed 25482214.

NM_000487.6(ARSA):c.107G>A (p.Gly36Glu)

Gene: ARSA (arylsulfatase A; minus strand). Cytogenetic location: 22q13.33.
Variant type: single nucleotide variant.
Coding change: c.107G>A on transcript NM_000487.6 (MANE Select); coding-DNA position 107, G replaced by A.
Protein change: p.Gly36Glu; replaces glycine 36 with glutamic acid.
Molecular consequence: missense variant. On other transcripts: intron variant (2).
Genome position (GRCh38, 1-based): chr22:50,627,673, C>T on the plus strand (G>A on the coding strand, the complement: ARSA is on the minus strand). VCF-style: chr22-50627673-C-T. GRCh37 (hg19) VCF-style: chr22-51066101-C-T.
Other names: c.107G>A, p.Gly36Glu (NM_001085425.3, NM_001085426.3, NM_001085427.3); c.-34-267G>A (NM_001362782.2, NM_001085428.3); short protein forms G36E.
Identifiers: ClinVar variation 2444219 (VCV002444219.1), dbSNP rs866385919, ClinGen allele CA412183115.